The following is an entry in ClinVar:

NM_006389.5(HYOU1):c.1934C>T (p.Ala645Val)

Gene: HYOU1 (hypoxia up-regulated 1; minus strand). Cytogenetic location: 11q23.3.
Variant type: single nucleotide variant.
Coding change: c.1934C>T on transcript NM_006389.5 (MANE Select); coding-DNA position 1934, C replaced by T.
Protein change: p.Ala645Val; replaces alanine 645 with valine.
Molecular consequence: missense variant.
Genome position (GRCh38, 1-based): chr11:119,049,076, G>A on the plus strand (C>T on the coding strand, the complement: HYOU1 is on the minus strand). VCF-style: chr11-119049076-G-A. GRCh37 (hg19) VCF-style: chr11-118919788-G-A.
Other names: c.1934C>T, p.Ala645Val (NM_001130991.3, NM_001411041.1); short protein forms A645V.
Identifiers: ClinVar variation 4808914 (VCV004808914.1).

ClinVar aggregate classification (germline): Uncertain significance (1 of 4 stars; one submission).

gnomAD v4.1: 11 of 1,614,026 alleles (0.00068%); highest among the groups gnomAD compares: African/African-American, 0.004%; no homozygotes.

Submission:

Labcorp Genetics (formerly Invitae), Labcorp
Classification: Uncertain significance. Last evaluated: 2025-10-27. Review status: criteria provided, single submitter. Criteria: Invitae Variant Classification Sherloc (09022015). Collection method: clinical testing. Allele origin: germline.
Comment: This sequence change replaces alanine, which is neutral and non-polar, with valine, which is neutral and non-polar, at codon 645 of the HYOU1 protein (p.Ala645Val). This variant is present in population databases (rs782517961, gnomAD 0.007%). This variant has not been reported in the literature in individuals affected with HYOU1-related conditions. An algorithm developed to predict the effect of missense changes on protein structure and function outputs the following: PolyPhen-2: "Not Available". The valine amino acid residue is found in multiple mammalian species, which suggests that this missense change does not adversely affect protein function. In summary, the available evidence is currently insufficient to determine the role of this variant in disease. Therefore, it has been classified as a Variant of Uncertain Significance.